The following is an entry in ClinVar:

NM_000540.3(RYR1):c.8322C>T (p.Asn2774=)

Genes: RYR1 (ryanodine receptor 1; plus strand), LOC126862902 (BRD4-independent group 4 enhancer GRCh37_chr19:38995830-38997029; plus strand). Cytogenetic location: 19q13.2.
Variant type: single nucleotide variant.
Coding change: c.8322C>T on transcript NM_000540.3 (MANE Select); coding-DNA position 8322, C replaced by T.
Protein change: p.Asn2774=; no amino-acid change (asparagine 2774 retained).
Molecular consequence: synonymous variant.
Genome position (GRCh38, 1-based): chr19:38,505,320, C>T. VCF-style: chr19-38505320-C-T. GRCh37 (hg19) VCF-style: chr19-38995960-C-T.
Other names: c.8322C>T, p.Asn2774= (NM_001042723.2).
Identifiers: ClinVar variation 3070102 (VCV003070102.1), dbSNP rs1970394271, ClinGen allele CA507244407.
Genomic context (GRCh38, chr19:38,505,320, plus strand): 5'-TGTCCCCAACTGCTGCCTCCCCCTCACCCTGCCTCCCCTCCATCTCTAGATCCAGAACAA[C>T]TGGTCCTATGGAGAGAACATAGACGAGGAGCTGAAGACCCACCCCATGCTGAGGCCCTAC-3'
Protein context (NP_000531.2, residues 2764-2784): EKWAFDKIQN[Asn2774=]WSYGENIDEE

ClinVar aggregate classification (germline): Likely benign (1 of 4 stars; one submission).

Conditions:
Malignant hyperthermia, susceptibility to, 1 (MHS1). Also called: RYR1-Related Malignant Hyperthermia Susceptibility; Anesthesia related hyperthermia; Malignant hyperpyrexia; Fulminating hyperpyrexia; Pharmacogenic myopathy; Malignant hyperthermia suceptibility 1. Identifiers: Orphanet 423, MedGen C2930980, MONDO:0007783, OMIM 145600.

Allele frequency attached by ClinVar (database versions not stated): gnomAD 0.00001.
gnomAD v4.1: 1 of 1,610,982 alleles (0.000062%); highest among the groups gnomAD compares: Admixed American, 0.0017%; no homozygotes.

Submission:

All of Us Research Program, National Institutes of Health
Classification: Likely benign for Malignant hyperthermia, susceptibility to, 1. Last evaluated: 2023-04-03. Review status: criteria provided, single submitter. Criteria: ACMG Guidelines, 2015. Collection method: clinical testing. Allele origin: germline. Inheritance: Autosomal dominant inheritance. Observed: 1 variant allele, 1 heterozygote.
Comment: This study involves interpretation of variants in research participants for the purpose of population health screening. Participant phenotype was not available at the time of variant classification. Additional details can be found in publication PMID: 35346344, PMCID: PMC8962531